The following is an entry in ClinVar:

ClinVar aggregate classification (germline): Uncertain significance. Review status: criteria provided, multiple submitters, no conflicts (2 of 4 stars). 2 submissions from 2 submitters: Uncertain significance (2). Last evaluated 2025-03-10.

Conditions:
Inborn genetic diseases. Identifiers: MedGen C0950123, MeSH D030342.
Spondyloepimetaphyseal dysplasia, PAPSS2 type. Also called: SEMD, PAKISTANI TYPE; BRACHYOLMIA TYPE 4 WITH MILD EPIPHYSEAL AND METAPHYSEAL CHANGES; SPONDYLODYSPLASIA AND PREMATURE PUBARCHE. Identifiers: Orphanet 93282, MedGen C2748516, MONDO:0019666, OMIM 612847.

Allele frequency attached by ClinVar (database versions not stated): gnomAD 0.00001; ExAC 0.00002.
gnomAD v4.1: 6 of 1,614,028 alleles (0.00037%); highest among the groups gnomAD compares: South Asian, 0.0055%; no homozygotes.

Submissions (2):

Labcorp Genetics (formerly Invitae), Labcorp
Classification: Uncertain significance for Spondyloepimetaphyseal dysplasia, PAPSS2 type. Last evaluated: 2025-03-10. Review status: criteria provided, single submitter. Criteria: Invitae Variant Classification Sherloc (09022015). Collection method: clinical testing. Allele origin: germline.
Comment: This sequence change replaces lysine, which is basic and polar, with asparagine, which is neutral and polar, at codon 529 of the PAPSS2 protein (p.Lys529Asn). This variant is present in population databases (rs748884713, gnomAD 0.006%). This variant has not been reported in the literature in individuals affected with PAPSS2-related conditions. ClinVar contains an entry for this variant (Variation ID: 2302164). An algorithm developed to predict the effect of missense changes on protein structure and function (PolyPhen-2) suggests that this variant is likely to be tolerated. In summary, the available evidence is currently insufficient to determine the role of this variant in disease. Therefore, it has been classified as a Variant of Uncertain Significance.

Ambry Genetics
Classification: Uncertain significance for Inborn genetic diseases. Last evaluated: 2022-07-19. Review status: criteria provided, single submitter. Criteria: Ambry Variant Classification Scheme 2023. Collection method: clinical testing. Allele origin: germline.

NM_001015880.2(PAPSS2):c.1587G>T (p.Lys529Asn)

Gene: PAPSS2 (3'-phosphoadenosine 5'-phosphosulfate synthase 2; plus strand). Cytogenetic location: 10q23.31.
Variant type: single nucleotide variant.
Coding change: c.1587G>T on transcript NM_001015880.2 (MANE Select); coding-DNA position 1587, G replaced by T.
Protein change: p.Lys529Asn; replaces lysine 529 with asparagine.
Molecular consequence: missense variant.
Genome position (GRCh38, 1-based): chr10:87,745,097, G>T. VCF-style: chr10-87745097-G-T. GRCh37 (hg19) VCF-style: chr10-89504854-G-T.
Other names: c.1572G>T, p.Lys524Asn (NM_004670.4); short protein forms K524N, K529N.
Identifiers: ClinVar variation 2302164 (VCV002302164.4), dbSNP rs748884713, ClinGen allele CA5589792.